The following is an entry in ClinVar:

NM_000179.3(MSH6):c.468_471del (p.Glu158fs)

Gene: MSH6 (mutS homolog 6; plus strand). Cytogenetic location: 2p16.3.
Variant type: Deletion.
Coding change: c.468_471del on transcript NM_000179.3 (MANE Select); coding-DNA positions 468 to 471, 4 bases deleted (AAAG; older notation c.468_471delAAAG).
Protein change: p.Glu158fs; shifts the reading frame from glutamic acid 158.
Molecular consequence: frameshift variant. On other transcripts: 5 prime UTR variant (1), intron variant (2).
Genome position (GRCh38, 1-based): chr2:47,795,904-47,795,907, AAAG deleted. VCF-style (leftmost placement, unchanged base first): chr2-47795903-CAAAG-C. GRCh37 (hg19) VCF-style: chr2-48023042-CAAAG-C.
Other names: c.468_471delAAAG (NM_000179.2, NM_000179.3); c.-435_-432del (NM_001281494.2); c.-279-2707_-279-2704del (NM_001281493.2); c.238-2707_238-2704del (NM_001281492.2); short protein forms E158fs.
Identifiers: ClinVar variation 127598 (VCV000127598.22), dbSNP rs587779941, ClinGen allele CA015671.
Genomic context (GRCh38, chr2:47,795,903, plus strand): 5'-CGTGAGCCTCTGCACCCGGCCCTTATTGTTTATAAATACATTTCTTTCTAGGTTCAAAAT[CAAAG>C]GAAGCCCAGAAGGGAGGTCATTTTTACAGTGCAAAGCCTGAAATACTGAGAGCAATGCAA-3'

ClinVar aggregate classification (germline): Pathogenic. Review status: criteria provided, multiple submitters, no conflicts (2 of 4 stars). 7 submissions from 7 submitters: Pathogenic (7). Last evaluated 2025-09-11.

Conditions:
Hereditary nonpolyposis colorectal neoplasms. Identifiers: MedGen C0009405, MeSH D003123.
Hereditary cancer-predisposing syndrome. Also called: Hereditary Cancer Syndrome; Hereditary neoplastic syndrome; Tumor predisposition; Neoplastic Syndromes, Hereditary. Identifiers: Orphanet 140162, MedGen C0027672, MeSH D009386, MONDO:0015356.
Lynch syndrome. Identifiers: Orphanet 144, MedGen C4552100, MONDO:0005835. Disease mechanism: loss of function.
Lynch syndrome 5 (LYNCH5). Also called: Colorectal cancer, hereditary nonpolyposis, type 5; Hereditary non-polyposis colorectal cancer, type 5. Identifiers: Orphanet 144, MedGen C1833477, MONDO:0013710, OMIM 614350. Disease mechanism: loss of function.

Submissions (7):

GeneDx
Classification: Pathogenic. Last evaluated: 2025-09-11. Review status: criteria provided, single submitter. Criteria: GeneDx Variant Classification Process June 2021. Collection method: clinical testing. Allele origin: germline. Affected: yes.
Comment: Frameshift variant predicted to result in protein truncation or nonsense mediated decay in a gene for which loss of function is a known mechanism of disease; Not observed at significant frequency in large population cohorts (gnomAD); Truncating variants in this gene are considered pathogenic by a well-established clinical consortium and/or database; This variant is associated with the following publications: (PMID: 26681312, 30787465, 25430799)

GeneKor MSA
Classification: Pathogenic for Lynch syndrome. Last evaluated: 2025-06-20. Review status: criteria provided, single submitter. Criteria: ACMG Guidelines, 2015. Collection method: clinical testing. Allele origin: germline. Affected: yes.
Comment: This variant is a deletion of four nucleotides from exon 3 of the MSH6 mRNA (c.468_471delAAAG), resulting in a frameshift and the introduction of a premature stop codon after 15 amino acids -p.(Glu158Profs*15). This leads to premature termination of protein synthesis and is expected to result in loss of function of one allele. This specific variant has been described in the international literature in a patient with Lynch syndrome (PMID:25430799) and is listed in the ClinVar database as Pathogenic (VCV000127598.19). For these reasons, the variant is classified as likely pathogenic.

Labcorp Genetics (formerly Invitae), Labcorp
Classification: Pathogenic for Hereditary nonpolyposis colorectal neoplasms. Last evaluated: 2025-02-12. Review status: criteria provided, single submitter. Criteria: Invitae Variant Classification Sherloc (09022015). Collection method: clinical testing. Allele origin: germline.
Comment: This sequence change creates a premature translational stop signal (p.Glu158Profs*15) in the MSH6 gene. It is expected to result in an absent or disrupted protein product. Loss-of-function variants in MSH6 are known to be pathogenic (PMID: 18269114, 24362816). This variant is not present in population databases (gnomAD no frequency). This premature translational stop signal has been observed in individual(s) with Lynch syndrome (PMID: 25430799). ClinVar contains an entry for this variant (Variation ID: 127598). For these reasons, this variant has been classified as Pathogenic.

Department of Clinical Genetics, Copenhagen University Hospital, Rigshospitalet
Classification: Pathogenic for Lynch syndrome. Last evaluated: 2025-02-04. Review status: criteria provided, single submitter. Criteria: ACMG Guidelines, 2015. Collection method: clinical testing. Allele origin: germline.
Comment: PVS1; PM2_SUP; PP4

Myriad Genetics, Inc.
Classification: Pathogenic for Lynch syndrome 5. Last evaluated: 2023-08-10. Review status: criteria provided, single submitter. Criteria: Myriad Autosomal Dominant, Autosomal Recessive and X-Linked Classification Criteria (2023). Collection method: clinical testing. Allele origin: unknown.
Comment: This variant is considered pathogenic. This variant creates a frameshift predicted to result in premature protein truncation.

Ambry Genetics
Classification: Pathogenic for Hereditary cancer-predisposing syndrome. Last evaluated: 2022-06-10. Review status: criteria provided, single submitter. Criteria: Ambry Variant Classification Scheme 2023. Collection method: clinical testing. Allele origin: germline.
Comment: The c.468_471delAAAG pathogenic mutation, located in coding exon 3 of the MSH6 gene, results from a deletion of 4 nucleotides at positions 468 to 471, causing a translational frameshift with a predicted alternate stop codon (p.E158Pfs*15). This mutation was seen in an individual from a broad study cohort which included individuals with either colorectal cancer, endometrial cancer, other Lynch syndrome cancers, polyps, adenomas, or a family history of Lynch syndrome cancers in multiple generations (Goldberg Y et al. Clin. Genet. 2015 Jun;87:549-53). This alteration was also identified in one individual (1/10030) diagnosed with both endometrial and ovarian cancer from a cohort of consecutive patients referred for evaluation by an NGS hereditary cancer panel (Susswein LR et al. Genet. Med. 2016 Aug;18:823-32). In addition to the clinical data presented in the literature, this alteration is expected to result in loss of function by premature protein truncation or nonsense-mediated mRNA decay. As such, this alteration is interpreted as a disease-causing mutation.

Color Diagnostics, LLC DBA Color Health
Classification: Pathogenic for Hereditary cancer-predisposing syndrome. Last evaluated: 2020-01-15. Review status: criteria provided, single submitter. Criteria: ACMG Guidelines, 2015. Collection method: clinical testing. Allele origin: germline.
Comment: This variant deletes 4 nucleotides in exon 3 of the MSH6 gene, creating a frameshift and premature translation stop signal. This variant is expected to result in an absent or non-functional protein product. This variant has not been identified in the general population by the Genome Aggregation Database (gnomAD). Loss of MSH6 function is a known mechanism of disease. Based on the available evidence, this variant is classified as Pathogenic.

Literature cited by the submitters: PubMed 25430799 (cited by 3 submitters); PubMed 18269114 (cited by Labcorp Genetics (formerly Invitae), Labcorp); PubMed 24362816 (cited by Labcorp Genetics (formerly Invitae), Labcorp); PubMed 26681312 (cited by Ambry Genetics).